The following is an entry in ClinVar:

NM_000384.3(APOB):c.11171A>T (p.Lys3724Ile)

Gene: APOB (apolipoprotein B; minus strand). Cytogenetic location: 2p24.1.
Variant type: single nucleotide variant.
Coding change: c.11171A>T on transcript NM_000384.3 (MANE Select); coding-DNA position 11171, A replaced by T.
Protein change: p.Lys3724Ile; replaces lysine 3724 with isoleucine.
Molecular consequence: missense variant.
Genome position (GRCh38, 1-based): chr2:21,005,697, T>A on the plus strand (A>T on the coding strand, the complement: APOB is on the minus strand). VCF-style: chr2-21005697-T-A. GRCh37 (hg19) VCF-style: chr2-21228569-T-A.
Other names: short protein forms K3724I.
Identifiers: ClinVar variation 3933313 (VCV003933313.1).

ClinVar aggregate classification (germline): Uncertain significance (1 of 4 stars; one submission).

Conditions:
Cardiovascular phenotype. Identifiers: MedGen CN230736.

gnomAD v4.1: 2 of 1,613,792 alleles (0.00012%); highest among the groups gnomAD compares: Non-Finnish European, 0.00017%; no homozygotes.

Submission:

Ambry Genetics
Classification: Uncertain significance for Cardiovascular phenotype. Last evaluated: 2025-06-01. Review status: criteria provided, single submitter. Criteria: Ambry Variant Classification Scheme 2023. Collection method: clinical testing. Allele origin: germline.
Comment: The p.K3724I variant (also known as c.11171A>T), located in coding exon 26 of the APOB gene, results from an A to T substitution at nucleotide position 11171. The lysine at codon 3724 is replaced by isoleucine, an amino acid with dissimilar properties. This amino acid position is conserved. In addition, this alteration is predicted to be tolerated by in silico analysis. Based on the available evidence, the clinical significance of this variant remains unclear.